The following is an entry in ClinVar:

NM_003011.4(SET):c.429T>C (p.Phe143=)

Gene: SET (SET nuclear proto-oncogene; plus strand). Cytogenetic location: 9q34.11.
Variant type: single nucleotide variant.
Coding change: c.429T>C on transcript NM_003011.4 (MANE Select); coding-DNA position 429, T replaced by C.
Protein change: p.Phe143=; no amino-acid change (phenylalanine 143 retained).
Molecular consequence: synonymous variant.
Genome position (GRCh38, 1-based): chr9:128,692,918, T>C. VCF-style: chr9-128692918-T-C. GRCh37 (hg19) VCF-style: chr9-131455197-T-C.
Other names: c.468T>C, p.Phe156= (NM_001122821.2, NM_001374326.1); c.402T>C, p.Phe134= (NM_001248000.2); c.396T>C, p.Phe132= (NM_001248001.2).
Identifiers: ClinVar variation 4084170 (VCV004084170.8).
Genomic context (GRCh38, chr9:128,692,918, plus strand): 5'-TTTATTACAGTATTTTGATGAAAATCCTTACTTTGAAAATAAAGTTCTCTCCAAAGAATT[T>C]CATCTGAATGAGAGTGGTGATCCATCTTCGAAGTCCACCGAAATCAAATGGAAATCTGGA-3'
Protein context (NP_003002.2, residues 133-153): YFENKVLSKE[Phe143=]HLNESGDPSS

ClinVar aggregate classification (germline): Likely benign (1 of 4 stars; one submission).

Submission:

CeGaT Center for Human Genetics Tuebingen
Classification: Likely benign. Last evaluated: 2025-08-01. Review status: criteria provided, single submitter. Criteria: CeGaT Center For Human Genetics Tuebingen Variant Classification Criteria Version 2. Collection method: clinical testing. Allele origin: germline. Affected: yes. Observed: 1 variant allele.
Comment: SET: BP4, BS1